The following is an entry in ClinVar:

ClinVar aggregate classification (germline): Uncertain significance (1 of 4 stars; one submission).

Submission:

GeneDx
Classification: Uncertain significance. Last evaluated: 2022-11-04. Review status: criteria provided, single submitter. Criteria: GeneDx Variant Classification Process June 2021. Collection method: clinical testing. Allele origin: germline.
Comment: Not observed at significant frequency in large population cohorts (gnomAD); Nonsense variant predicted to result in protein truncation or nonsense mediated decay in a gene or region of a gene for which loss of function is not a well-established mechanism of disease; Has not been previously published as pathogenic or benign to our knowledge; Variants in candidate genes are classified as variants of uncertain significance in accordance with ACMG guidelines (Richards et al., 2015)

NM_002332.3(LRP1):c.7573C>T (p.Arg2525Ter)

Gene: LRP1 (LDL receptor related protein 1; plus strand). Cytogenetic location: 12q13.3.
Variant type: single nucleotide variant.
Coding change: c.7573C>T on transcript NM_002332.3 (MANE Select); coding-DNA position 7573, C replaced by T.
Protein change: p.Arg2525Ter; replaces arginine 2525 with a stop codon.
Molecular consequence: nonsense.
Genome position (GRCh38, 1-based): chr12:57,193,193, C>T. VCF-style: chr12-57193193-C-T. GRCh37 (hg19) VCF-style: chr12-57586976-C-T.
Other names: short protein forms R2525*.
Identifiers: ClinVar variation 4976627 (VCV004976627.1).